The following is an entry in ClinVar:

NM_016335.6(PRODH):c.358G>A (p.Gly120Arg)

Gene: PRODH (proline dehydrogenase 1; minus strand). Cytogenetic location: 22q11.21.
Variant type: single nucleotide variant.
Coding change: c.358G>A on transcript NM_016335.6 (MANE Select); coding-DNA position 358, G replaced by A.
Protein change: p.Gly120Arg; replaces glycine 120 with arginine.
Molecular consequence: missense variant.
Genome position (GRCh38, 1-based): chr22:18,931,114, C>T on the plus strand (G>A on the coding strand, the complement: PRODH is on the minus strand). VCF-style: chr22-18931114-C-T. GRCh37 (hg19) VCF-style: chr22-18918627-C-T.
Other names: c.34G>A, p.Gly12Arg (NM_001195226.2); short protein forms G120R, G12R.
Identifiers: ClinVar variation 1047594 (VCV001047594.7), dbSNP rs979499476, ClinGen allele CA410652045.
Genomic context (GRCh38, chr22:18,931,114, plus strand): 5'-CGCTGACACCGAAGGCCCTGTAGTGCCGAAGCAGGGGCTGGATGGACTCCTGGTCCTCCC[C>T]GGCTACAAAATGCCCATAGAAGGTCATCTTCATGAGCTTGTTGAATAGCCTCTGTCCTAG-3'
Protein context (NP_057419.5, residues 110-130): KMTFYGHFVA[Gly120Arg]EDQESIQPLL

ClinVar aggregate classification (germline): Uncertain significance (1 of 4 stars; one submission).

Conditions:
Proline dehydrogenase deficiency (HYRPRO1). Also called: Hyperprolinemia type 1; PROLINE OXIDASE DEFICIENCY. Identifiers: Orphanet 419, MedGen C0268529, MONDO:0009400, OMIM 239500.

Submission:

Labcorp Genetics (formerly Invitae), Labcorp
Classification: Uncertain significance for Proline dehydrogenase deficiency. Last evaluated: 2022-08-16. Review status: criteria provided, single submitter. Criteria: Invitae Variant Classification Sherloc (09022015). Collection method: clinical testing. Allele origin: germline.
Comment: This sequence change replaces glycine, which is neutral and non-polar, with arginine, which is basic and polar, at codon 120 of the PRODH protein (p.Gly120Arg). This variant is not present in population databases (gnomAD no frequency). This variant has not been reported in the literature in individuals affected with PRODH-related conditions. ClinVar contains an entry for this variant (Variation ID: 1047594). Algorithms developed to predict the effect of missense changes on protein structure and function are either unavailable or do not agree on the potential impact of this missense change (SIFT: "Deleterious"; PolyPhen-2: "Probably Damaging"; Align-GVGD: "Class C0"). Algorithms developed to predict the effect of sequence changes on RNA splicing suggest that this variant may create or strengthen a splice site. In summary, the available evidence is currently insufficient to determine the role of this variant in disease. Therefore, it has been classified as a Variant of Uncertain Significance.